The following is an entry in ClinVar:

NM_198075.4(LRRC56):c.1102A>C (p.Thr368Pro)

Gene: LRRC56 (leucine rich repeat containing 56; plus strand). Cytogenetic location: 11p15.5.
Variant type: single nucleotide variant.
Coding change: c.1102A>C on transcript NM_198075.4 (MANE Select); coding-DNA position 1102, A replaced by C.
Protein change: p.Thr368Pro; replaces threonine 368 with proline.
Molecular consequence: missense variant.
Genome position (GRCh38, 1-based): chr11:552,153, A>C. VCF-style: chr11-552153-A-C. GRCh37 (hg19) VCF-style: chr11-552153-A-C.
Other names: c.1102A>C (NM_198075.3); short protein forms T368P.
Identifiers: ClinVar variation 1599288 (VCV001599288.34), dbSNP rs147753901, ClinGen allele CA5779958.
Genomic context (GRCh38, chr11:552,153, plus strand): 5'-AGGGAGCCCCCCGAGCAGCTGCCCCAACACAGGCCAGGAGATCCGGCCGCCAGCACTTCC[A>C]CCCCAGAGCCTGACCCTGCAGACAGCTCTGACTTCCTGGCCTTGGCTGGGCTCAGGGCCT-3'
Protein context (NP_932341.1, residues 358-378): RPGDPAASTS[Thr368Pro]PEPDPADSSD

ClinVar aggregate classification (germline): Benign. Review status: criteria provided, multiple submitters, no conflicts (2 of 4 stars). 4 submissions from 4 submitters: Benign (3). 1 of the submissions does not count toward it. Last evaluated 2026-01-26.

Conditions:
LRRC56-related disorder. Also called: LRRC56-related condition.

Allele frequency attached by ClinVar (database versions not stated): gnomAD exomes 0.00035 and 0.00093; ExAC 0.00112; 1000 Genomes Project 0.00140; 1000 Genomes Project 30x 0.00203; gnomAD 0.00357 and 0.00392; ESP Exome Variant Server 0.00416.
gnomAD v4.1: 1,086 of 1,611,996 alleles (0.067%); highest among the groups gnomAD compares: African/African-American, 1.3%; 6 homozygotes.

Submissions (4):

Labcorp Genetics (formerly Invitae), Labcorp
Classification: Benign. Last evaluated: 2026-01-26. Review status: criteria provided, single submitter. Criteria: Invitae Variant Classification Sherloc (09022015). Collection method: clinical testing. Allele origin: germline.

CeGaT Center for Human Genetics Tuebingen
Classification: Benign. Last evaluated: 2023-06-01. Review status: criteria provided, single submitter. Criteria: CeGaT Center For Human Genetics Tuebingen Variant Classification Criteria Version 2. Collection method: clinical testing. Allele origin: germline. Affected: yes. Observed: 1 variant allele.
Comment: LRRC56: BP4, BS1, BS2

Breakthrough Genomics
Classification: Benign. Review status: criteria provided, single submitter. Criteria: ACMG Guidelines, 2015. Collection method: not provided. Allele origin: germline. Inheritance: Autosomal recessive inheritance. Affected: yes.

PreventionGenetics, part of Exact Sciences
Classification: Benign for LRRC56-related condition. Last evaluated: 2019-05-28. Review status: no assertion criteria provided. Collection method: clinical testing. Allele origin: germline. Not counted in ClinVar's aggregate classification.
Comment: This variant is classified as benign based on ACMG/AMP sequence variant interpretation guidelines (Richards et al. 2015 PMID: 25741868, with internal and published modifications).